The following is an entry in ClinVar:

NM_003331.5(TYK2):c.1653C>G (p.Cys551Trp)

Gene: TYK2 (tyrosine kinase 2; minus strand). Cytogenetic location: 19p13.2.
Variant type: single nucleotide variant.
Coding change: c.1653C>G on transcript NM_003331.5 (MANE Select); coding-DNA position 1653, C replaced by G.
Protein change: p.Cys551Trp; replaces cysteine 551 with tryptophan.
Molecular consequence: missense variant.
Genome position (GRCh38, 1-based): chr19:10,362,280, G>C on the plus strand (C>G on the coding strand, the complement: TYK2 is on the minus strand). VCF-style: chr19-10362280-G-C. GRCh37 (hg19) VCF-style: chr19-10472956-G-C.
Other names: c.1653C>G, p.Cys551Trp (NM_001385197.1, NM_001385198.1, NM_001385199.1 and 5 more transcripts); c.1455C>G, p.Cys485Trp (NM_001385201.1); c.1563C>G, p.Cys521Trp (NM_001385205.1); c.1527C>G, p.Cys509Trp (NM_001385206.1); short protein forms C485W, C509W, C521W, C551W.
Identifiers: ClinVar variation 1463046 (VCV001463046.8), dbSNP rs1456271893, ClinGen allele CA404006272.

ClinVar aggregate classification (germline): Uncertain significance (1 of 4 stars; one submission).

Conditions:
Immunodeficiency 35 (IMD35). Also called: Susceptibility to infection due to TYK2 deficiency; TYK2 DEFICIENCY; HIES WITH ATYPICAL MYCOBACTERIOSIS, AUTOSOMAL RECESSIVE; HYPER-IgE SYNDROME WITH ATYPICAL MYCOBACTERIOSIS, AUTOSOMAL RECESSIVE. Identifiers: Orphanet 331226, MedGen C1969086, MONDO:0012682, OMIM 611521.

Allele frequency attached by ClinVar (database versions not stated): gnomAD exomes below 0.00001.
gnomAD v4.1: 1 of 1,614,144 alleles (0.000062%); highest among the groups gnomAD compares: Non-Finnish European, 0.000085%; no homozygotes.

Submission:

Labcorp Genetics (formerly Invitae), Labcorp
Classification: Uncertain significance for Immunodeficiency 35. Last evaluated: 2021-05-26. Review status: criteria provided, single submitter. Criteria: Invitae Variant Classification Sherloc (09022015). Collection method: clinical testing. Allele origin: germline.
Comment: In summary, the available evidence is currently insufficient to determine the role of this variant in disease. Therefore, it has been classified as a Variant of Uncertain Significance. Algorithms developed to predict the effect of missense changes on protein structure and function are either unavailable or do not agree on the potential impact of this missense change (SIFT: "Not Available"; PolyPhen-2: "Probably Damaging"; Align-GVGD: "Not Available"). This variant has not been reported in the literature in individuals with TYK2-related conditions. This variant is not present in population databases (ExAC no frequency). This sequence change replaces cysteine with tryptophan at codon 551 of the TYK2 protein (p.Cys551Trp). The cysteine residue is highly conserved and there is a large physicochemical difference between cysteine and tryptophan.